The following is an entry in ClinVar:

ClinVar aggregate classification (germline): Uncertain significance. Review status: criteria provided, multiple submitters, no conflicts (2 of 4 stars). 2 submissions from 2 submitters: Uncertain significance (2). Last evaluated 2025-01-27.

Conditions:
Inborn genetic diseases. Identifiers: MedGen C0950123, MeSH D030342.
IFT140-related disorder. Also called: IFT140-related condition.

Allele frequency attached by ClinVar (database versions not stated): gnomAD 0.00001; TOPMed 0.00001; ExAC 0.00002; gnomAD exomes 0.00002.
gnomAD v4.1: 33 of 1,613,224 alleles (0.002%); highest among the groups gnomAD compares: East Asian, 0.0045%; no homozygotes.

Submissions (2):

Ambry Genetics
Classification: Uncertain significance for Inborn genetic diseases. Last evaluated: 2025-01-27. Review status: criteria provided, single submitter. Criteria: Ambry Variant Classification Scheme 2023. Collection method: clinical testing. Allele origin: germline.

PreventionGenetics, part of Exact Sciences
Classification: Uncertain significance for IFT140-related condition. Last evaluated: 2023-04-07. Review status: criteria provided, single submitter. Criteria: ACMG Guidelines, 2015. Collection method: clinical testing. Allele origin: germline.
Comment: The IFT140 c.1229C>T variant is predicted to result in the amino acid substitution p.Ser410Leu. To our knowledge, this variant has not been reported in the literature. This variant is reported in 0.019% of alleles in individuals of Ashkenazi Jewish descent in gnomAD. At this time, the clinical significance of this variant is uncertain due to the absence of conclusive functional and genetic evidence.

NM_014714.4(IFT140):c.1229C>T (p.Ser410Leu)

Genes: IFT140 (intraflagellar transport 140; minus strand), LOC105371046 (uncharacterized LOC105371046; plus strand). Cytogenetic location: 16p13.3.
Variant type: single nucleotide variant.
Coding change: c.1229C>T on transcript NM_014714.4 (MANE Select); coding-DNA position 1229, C replaced by T.
Protein change: p.Ser410Leu; replaces serine 410 with leucine.
Molecular consequence: missense variant.
Genome position (GRCh38, 1-based): chr16:1,584,347, G>A on the plus strand (C>T on the coding strand, the complement: IFT140 is on the minus strand). VCF-style: chr16-1584347-G-A. GRCh37 (hg19) VCF-style: chr16-1634348-G-A.
Other names: short protein forms S410L.
Identifiers: ClinVar variation 2636104 (VCV002636104.2), dbSNP rs762512865, ClinGen allele CA7814394.